The following is an entry in ClinVar:

ClinVar aggregate classification (germline): Conflicting classifications of pathogenicity. Review status: criteria provided, conflicting classifications (1 of 4 stars). 2 submissions from 2 submitters: Uncertain significance (1); Benign (1). Last evaluated 2026-04-23.

Conditions:
Luscan-Lumish syndrome. Identifiers: Orphanet 597738, MedGen C4085873, MONDO:0014791, OMIM 616831.

Allele frequency attached by ClinVar (database versions not stated): gnomAD exomes below 0.00001.
gnomAD v4.1: 7 of 1,610,192 alleles (0.00043%); highest among the groups gnomAD compares: South Asian, 0.0022%; no homozygotes.

Submissions (2):

Women's Health and Genetics/Laboratory Corporation of America, LabCorp
Classification: Uncertain significance. Last evaluated: 2026-04-23. Review status: criteria provided, single submitter. Criteria: LabCorp Variant Classification Summary - May 2015. Collection method: clinical testing. Allele origin: germline.
Comment: Variant summary: SETD2 c.3287A>G (p.His1096Arg) results in a non-conservative amino acid change in the encoded protein sequence. Algorithms developed to predict the effect of missense changes on protein structure and function are either unavailable or do not agree on the potential impact of this missense change. The variant was absent in 247674 control chromosomes. The available data on variant occurrences in the general population are insufficient to allow any conclusion about variant significance. To our knowledge, no occurrence of c.3287A>G in individuals affected with SETD2-related conditions and no experimental evidence demonstrating its impact on protein function have been reported. ClinVar contains an entry for this variant (Variation ID: 1167121). Based on the evidence outlined above, the variant was classified as uncertain significance.

Labcorp Genetics (formerly Invitae), Labcorp
Classification: Benign for Luscan-Lumish syndrome. Last evaluated: 2022-07-12. Review status: criteria provided, single submitter. Criteria: Invitae Variant Classification Sherloc (09022015). Collection method: clinical testing. Allele origin: germline.

NM_014159.7(SETD2):c.3287A>G (p.His1096Arg)

Gene: SETD2 (SET domain containing 2, histone lysine methyltransferase; minus strand). Cytogenetic location: 3p21.31.
Variant type: single nucleotide variant.
Coding change: c.3287A>G on transcript NM_014159.7 (MANE Select); coding-DNA position 3287, A replaced by G.
Protein change: p.His1096Arg; replaces histidine 1096 with arginine.
Molecular consequence: missense variant. On other transcripts: non-coding transcript variant (1).
Genome position (GRCh38, 1-based): chr3:47,121,349, T>C on the plus strand (A>G on the coding strand, the complement: SETD2 is on the minus strand). VCF-style: chr3-47121349-T-C. GRCh37 (hg19) VCF-style: chr3-47162839-T-C.
Other names: c.3155A>G, p.His1052Arg (NM_001349370.3); short protein forms H1052R, H1096R.
Identifiers: ClinVar variation 1167121 (VCV001167121.8), dbSNP rs2043077606, ClinGen allele CA352523052.
Genomic context (GRCh38, chr3:47,121,349, plus strand): 5'-TTTTCCTCATACAAATGTCTCCTTGACTCCAATCTCTCATCTTCCCAATGGTCAGAATAG[T>C]GTCTATAACTTTGACTGCTCCGAGAAGAACAAGGACTTGTTTCTTCCATGGGCAAAGTAG-3'
Protein context (NP_054878.5, residues 1086-1106): CSSRSSQSYR[His1096Arg]YSDHWEDERL